The following is an entry in ClinVar:

ClinVar aggregate classification (germline): Pathogenic/Likely pathogenic. Review status: criteria provided, multiple submitters, no conflicts (2 of 4 stars). 2 submissions from 2 submitters: Pathogenic (1); Likely pathogenic (1). Last evaluated 2025-07-16.

Conditions:
Deficiency of 2-methylbutyryl-CoA dehydrogenase (ACADSB). Also called: 2-methylbutyrylglycinuria; 2-methylbutyryl-CoA dehydrogenase deficiency; SBCAD deficiency; 2-methylbutyric aciduria; Short branched-chain acyl-CoA dehydrogenase deficiency. Identifiers: Orphanet 79157, MedGen C1864912, MONDO:0012392, OMIM 610006, HP:0020147.

Submissions (2):

Labcorp Genetics (formerly Invitae), Labcorp
Classification: Pathogenic for Deficiency of 2-methylbutyryl-CoA dehydrogenase. Last evaluated: 2025-07-16. Review status: criteria provided, single submitter. Criteria: Invitae Variant Classification Sherloc (09022015). Collection method: clinical testing. Allele origin: germline.
Comment: This sequence change creates a premature translational stop signal (p.Ala160Profs*12) in the ACADSB gene. It is expected to result in an absent or disrupted protein product. Loss-of-function variants in ACADSB are known to be pathogenic (PMID: 20547083, 26284228). This variant is not present in population databases (gnomAD no frequency). This variant has not been reported in the literature in individuals affected with ACADSB-related conditions. ClinVar contains an entry for this variant (Variation ID: 1678478). For these reasons, this variant has been classified as Pathogenic.

AiLife Diagnostics
Classification: Likely pathogenic. Last evaluated: 2021-06-24. Review status: criteria provided, single submitter. Criteria: ACMG Guidelines, 2015. Collection method: clinical testing. Allele origin: germline. Affected: yes. Observed: 1 variant allele.

Literature cited by the submitters: PubMed 20547083 (cited by Labcorp Genetics (formerly Invitae), Labcorp); PubMed 26284228 (cited by Labcorp Genetics (formerly Invitae), Labcorp).

NM_001609.4(ACADSB):c.478del (p.Ala160fs)

Gene: ACADSB (acyl-CoA dehydrogenase short/branched chain; plus strand). Cytogenetic location: 10q26.13.
Variant type: Deletion.
Coding change: c.478del on transcript NM_001609.4 (MANE Select); coding-DNA position 478, one base deleted (G; older notation c.478delG).
Protein change: p.Ala160fs; shifts the reading frame from alanine 160.
Molecular consequence: frameshift variant.
Genome position (GRCh38, 1-based): chr10:123,040,640, G deleted; the last of 2 consecutive G bases (chr10:123,040,639-123,040,640); deleting either gives the same sequence. VCF-style (leftmost placement, unchanged base first): chr10-123040638-AG-A. GRCh37 (hg19) VCF-style: chr10-124800154-AG-A.
Other names: c.172del, p.Ala58fs (NM_001330174.3); short protein forms A160fs, A58fs.
Identifiers: ClinVar variation 1678478 (VCV001678478.2), dbSNP rs2133480858, ClinGen allele CA2573145567.